The following is an entry in ClinVar:

ClinVar aggregate classification (germline): Uncertain significance. Review status: reviewed by expert panel (3 of 4 stars). 2 submissions from 2 submitters: Uncertain significance (1). 1 of the submissions does not count toward it. Last evaluated 2024-02-20.

Conditions:
Glanzmann thrombasthenia. Also called: BLEEDING DISORDER, PLATELET-TYPE, 2; THROMBASTHENIA OF GLANZMANN AND NAEGELI; PLATELET GLYCOPROTEIN IIb-IIIa DEFICIENCY; Thrombasthenia; Glanzmann's thrombasthenia. Identifiers: Orphanet 849, MedGen C0040015, MONDO:0100326.

Allele frequency attached by ClinVar (database versions not stated): gnomAD exomes below 0.00001; TOPMed 0.00002; ESP Exome Variant Server 0.00008.
gnomAD v4.1: 6 of 1,614,126 alleles (0.00037%); highest among the groups gnomAD compares: Non-Finnish European, 0.00051%; no homozygotes.

Submissions (2):

ClinGen Platelet Disorders Variant Curation Expert Panel, ClinGen
Classification: Uncertain significance for Glanzmann thrombasthenia. Last evaluated: 2024-02-20. Review status: reviewed by expert panel. Criteria: ClinGen Platelet ACMG Specifications v2-1. Collection method: curation. Allele origin: germline. Inheritance: Autosomal recessive inheritance.
Comment: The ITGB3 missense variant NM_000212.3:c.1265G>A replaces the serine residue with an asparagine residue (p.Ser422Asn) and is absent from control population databases, including gnomADv4.0 (PM2_supporting). While this variant has been observed in heterozygosity in an individual suspected to have Glanzmann's thrombasthenia (GT) (GT-62, PMID: 30792900), a heterozygous variant in ITGA2B was also identified and a second ITGB3 variant was not identified. In summary, this variant is of uncertain significance and lacks sufficient evidence to be classified as pathogenic or benign for GT. GT-specific criterion applied: PM2_supporting.

Mayo Clinic Laboratories, Mayo Clinic
Classification: Uncertain significance. Last evaluated: 2025-05-09. Review status: criteria provided, single submitter. Criteria: ACMG Guidelines, 2015. Collection method: clinical testing. Allele origin: germline. Observed: 1 variant allele. Not counted in ClinVar's aggregate classification.
Comment: PM2_supporting

NM_000212.3(ITGB3):c.1265G>A (p.Ser422Asn)

Genes: ITGB3 (integrin subunit beta 3; plus strand), LOC110121475 (VISTA enhancer hs2033; plus strand). Cytogenetic location: 17q21.32.
Variant type: single nucleotide variant.
Coding change: c.1265G>A on transcript NM_000212.3 (MANE Select); coding-DNA position 1265, G replaced by A.
Protein change: p.Ser422Asn; replaces serine 422 with asparagine.
Molecular consequence: missense variant.
Genome position (GRCh38, 1-based): chr17:47,292,143, G>A. VCF-style: chr17-47292143-G-A. GRCh37 (hg19) VCF-style: chr17-45369509-G-A.
Other names: p.Ser422Asn; c.1265G>A (NM_000212.2); short protein forms S422N.
Identifiers: ClinVar variation 1210181 (VCV001210181.3), dbSNP rs372644002, ClinGen allele CA291225740.